The following is an entry in ClinVar:

NM_022916.6(VPS33A):c.350G>A (p.Arg117His)

Gene: VPS33A (VPS33A core subunit of CORVET and HOPS complexes; minus strand). Cytogenetic location: 12q24.31.
Variant type: single nucleotide variant.
Coding change: c.350G>A on transcript NM_022916.6 (MANE Select); coding-DNA position 350, G replaced by A.
Protein change: p.Arg117His; replaces arginine 117 with histidine.
Molecular consequence: missense variant.
Genome position (GRCh38, 1-based): chr12:122,261,394, C>T on the plus strand (G>A on the coding strand, the complement: VPS33A is on the minus strand). VCF-style: chr12-122261394-C-T. GRCh37 (hg19) VCF-style: chr12-122745941-C-T.
Other names: p.Arg117His; c.317G>A, p.Arg106His (NM_001351018.2); c.302G>A, p.Arg101His (NM_001351019.2); c.350G>A, p.Arg117His (NM_001351020.2, NM_001351021.2); short protein forms R106H, R101H, R117H.
Identifiers: ClinVar variation 4541749 (VCV004541749.1).

ClinVar aggregate classification (germline): Uncertain significance (1 of 4 stars; one submission).

gnomAD v4.1: 4 of 1,613,792 alleles (0.00025%); highest among the groups gnomAD compares: Admixed American, 0.0017%; no homozygotes.

Submission:

Mayo Clinic Laboratories, Mayo Clinic
Classification: Uncertain significance. Last evaluated: 2024-12-10. Review status: criteria provided, single submitter. Criteria: ACMG Guidelines, 2015. Collection method: clinical testing. Allele origin: germline. Observed: 1 variant allele.
Comment: PP3, PM2_supporting